The following is an entry in ClinVar:

ClinVar aggregate classification (germline): Likely benign (1 of 4 stars; one submission).

Submission:

GeneDx
Classification: Likely benign. Last evaluated: 2016-09-09. Review status: criteria provided, single submitter. Criteria: GeneDx Variant Classification (06012015). Collection method: clinical testing. Allele origin: germline. Affected: yes.
Comment: This variant is considered likely benign or benign based on one or more of the following criteria: it is a conservative change, it occurs at a poorly conserved position in the protein, it is predicted to be benign by multiple in silico algorithms, and/or has population frequency not consistent with disease.

NM_032601.3(MCEE):c.-51_-50delGCinsAA

Gene: MCEE (methylmalonyl-CoA epimerase; minus strand). Cytogenetic location: 2p13.3.
Variant type: Indel.
Coding change: c.-51_-50delGCinsAA on transcript NM_032601.3; 51 bases upstream of the start codon through 50 bases upstream of the start codon, this stretch deleted.
Genome position: GRCh38 VCF-style: chr2-71130269-GC-TT. GRCh37 (hg19) VCF-style: chr2-71357399-GC-TT.
Identifiers: ClinVar variation 422232 (VCV000422232.3), dbSNP rs1064795644, ClinGen allele CA16617749.